The following is an entry in ClinVar:

NM_001130987.2(DYSF):c.3160A>G (p.Thr1054Ala)

Gene: DYSF (dysferlin; plus strand). Cytogenetic location: 2p13.2.
Variant type: single nucleotide variant.
Coding change: c.3160A>G on transcript NM_001130987.2 (MANE Select); coding-DNA position 3160, A replaced by G.
Protein change: p.Thr1054Ala; replaces threonine 1054 with alanine.
Molecular consequence: missense variant.
Genome position (GRCh38, 1-based): chr2:71,570,673, A>G. VCF-style: chr2-71570673-A-G. GRCh37 (hg19) VCF-style: chr2-71797803-A-G.
Other names: c.3106A>G (NM_003494.3); c.3109A>G, p.Thr1037Ala (NM_001130455.2, NM_001130983.2); c.3064A>G, p.Thr1022Ala (NM_001130976.2, NM_001130977.2); c.3106A>G, p.Thr1036Ala (NM_001130978.2, NM_003494.4); c.3199A>G, p.Thr1067Ala (NM_001130979.2); c.3157A>G, p.Thr1053Ala (NM_001130980.2, NM_001130981.2); c.3202A>G, p.Thr1068Ala (NM_001130982.2); c.3067A>G, p.Thr1023Ala (NM_001130984.2, NM_001130986.2); and 1 more; short protein forms T1036A, T1054A, T1067A, T1022A, T1037A, T1068A, T1023A, T1053A.
Identifiers: ClinVar variation 283483 (VCV000283483.8), dbSNP rs550721009, ClinGen allele CA1706443.

ClinVar aggregate classification (germline): Uncertain significance. Review status: criteria provided, multiple submitters, no conflicts (2 of 4 stars). 3 submissions from 3 submitters: Uncertain significance (3). Last evaluated 2024-06-02.

Conditions:
Inborn genetic diseases. Identifiers: MedGen C0950123, MeSH D030342.
Autosomal recessive limb-girdle muscular dystrophy type 2B (LGMDR2). Also called: MUSCULAR DYSTROPHY, LIMB-GIRDLE, AUTOSOMAL RECESSIVE 2; Limb-Girdle Muscular Dystrophy Type 2B (LGMD2B); Limb-girdle muscular dystrophy, type 2B; MUSCULAR DYSTROPHY, LIMB-GIRDLE, TYPE 3. Identifiers: Orphanet 268, MedGen C1850889, MONDO:0009676, OMIM 253601.

Allele frequency attached by ClinVar (database versions not stated): gnomAD 0.00001; gnomAD exomes 0.00001; ExAC 0.00003; 1000 Genomes Project 30x 0.00031; 1000 Genomes Project 0.00040.
gnomAD v4.1: 17 of 1,614,092 alleles (0.0011%); highest among the groups gnomAD compares: South Asian, 0.019%; 1 homozygote.

Submissions (3):

Ambry Genetics
Classification: Uncertain significance for Inborn genetic diseases. Last evaluated: 2024-06-02. Review status: criteria provided, single submitter. Criteria: Ambry Variant Classification Scheme 2023. Collection method: clinical testing. Allele origin: germline.

Eurofins Ntd Llc (ga)
Classification: Uncertain significance. Last evaluated: 2015-09-22. Review status: criteria provided, single submitter. Criteria: EGL Classification Definitions 2015. Collection method: clinical testing. Allele origin: germline. Observed: 1 variant allele, 1 heterozygote.

Neuberg Centre For Genomic Medicine, NCGM
Classification: Uncertain significance for Autosomal recessive limb-girdle muscular dystrophy type 2B. Review status: criteria provided, single submitter. Criteria: ACMG Guidelines, 2015. Collection method: clinical testing. Allele origin: germline. Affected: yes.
Comment: The missense variant p.T1036A in DYSF (NM_003494.4) has not been reported previously as a pathogenic variant nor as a benign variant, to our knowledge. The p.T1036A variant is observed in 2/30,614 (0.0065%) alleles from individuals of South Asian background in gnomAD Exomes and in 2/978 (0.2045%) alleles from individuals of South Asian background in 1000 Genomes. In silico tools are contradictory in their prediction (SIFT-Damaging, Polyphen-2-Tolerated) and the residue is conserved across species. For these reasons, this variant has been classified as Uncertain Significance